The following is an entry in ClinVar:

ClinVar aggregate classification (germline): Uncertain significance (1 of 4 stars; one submission).

Conditions:
AMPD2-related disorder. Also called: AMPD2-related condition.

Submission:

Daryl Scott Lab, Baylor College of Medicine
Classification: Uncertain significance for AMPD2-related disorder. Review status: criteria provided, single submitter. Criteria: ACMG Guidelines, 2015. Collection method: clinical testing. Allele origin: biparental. Affected: yes.
Comment: PM2, PP3

NM_001257360.1:c.1633G>A

Gene: AMPD2 (adenosine monophosphate deaminase 2; plus strand).
Variant type: single nucleotide variant.
Other names: c.1633G>A (NM_001257360.1).
Identifiers: ClinVar variation 4279665 (VCV004279665.1).